The following is an entry in ClinVar:

ClinVar aggregate classification (germline): Uncertain significance (1 of 4 stars; one submission).

Submission:

GeneDx
Classification: Uncertain significance. Last evaluated: 2025-03-06. Review status: criteria provided, single submitter. Criteria: GeneDx Variant Classification Process June 2021. Collection method: clinical testing. Allele origin: germline. Affected: yes.
Comment: Alters the last nucleotide of the exon and is predicted to destroy the splice donor site but the effect on protein function is unclear; Not observed at significant frequency in large population cohorts (gnomAD); Has not been previously published as pathogenic or benign to our knowledge

NM_015030.2(FRYL):c.933G>A (p.Leu311=)

Gene: FRYL (FRY like transcription coactivator; minus strand). Cytogenetic location: 4p11.
Variant type: single nucleotide variant.
Coding change: c.933G>A on transcript NM_015030.2 (MANE Select); coding-DNA position 933, G replaced by A.
Protein change: p.Leu311=; no amino-acid change (leucine 311 retained).
Molecular consequence: synonymous variant.
Genome position (GRCh38, 1-based): chr4:48,603,290, C>T on the plus strand (G>A on the coding strand, the complement: FRYL is on the minus strand). VCF-style: chr4-48603290-C-T. GRCh37 (hg19) VCF-style: chr4-48605307-C-T.
Identifiers: ClinVar variation 4082652 (VCV004082652.1).
Genomic context (GRCh38, chr4:48,603,290, plus strand): 5'-ATAAATCAATTACTAAAAATCCCAATTAAATATGAAAAGGTTTGAAATGTTTCTTAATAC[C>T]AATGAATGCTTCTTTCTCGAGCTCAGTTCAAAAGTAGTCTGATAAAGCATCTCCACAAAA-3'
Protein context (NP_055845.1, residues 301-321): FELSSRKKHS[Leu311=]ALYPLITCLL